The following is an entry in ClinVar:

NM_138395.4(MARS2):c.422C>T (p.Ala141Val)

Gene: MARS2 (methionyl-tRNA synthetase 2, mitochondrial; plus strand). Cytogenetic location: 2q33.1.
Variant type: single nucleotide variant.
Coding change: c.422C>T on transcript NM_138395.4 (MANE Select); coding-DNA position 422, C replaced by T.
Protein change: p.Ala141Val; replaces alanine 141 with valine.
Molecular consequence: missense variant.
Genome position (GRCh38, 1-based): chr2:197,705,827, C>T. VCF-style: chr2-197705827-C-T. GRCh37 (hg19) VCF-style: chr2-198570551-C-T.
Other names: short protein forms A141V.
Identifiers: ClinVar variation 2278615 (VCV002278615.5), dbSNP rs1395940020, ClinGen allele CA350212213.

ClinVar aggregate classification (germline): Uncertain significance. Review status: criteria provided, multiple submitters, no conflicts (2 of 4 stars). 2 submissions from 2 submitters: Uncertain significance (2). Last evaluated 2023-02-24.

Allele frequency attached by ClinVar (database versions not stated): TOPMed below 0.00001; gnomAD 0.00001.
gnomAD v4.1: 33 of 1,613,732 alleles (0.002%); highest among the groups gnomAD compares: Non-Finnish European, 0.0028%; no homozygotes.

Submissions (2):

Labcorp Genetics (formerly Invitae), Labcorp
Classification: Uncertain significance. Last evaluated: 2023-02-24. Review status: criteria provided, single submitter. Criteria: Invitae Variant Classification Sherloc (09022015). Collection method: clinical testing. Allele origin: germline.
Comment: This variant is present in population databases (no rsID available, gnomAD 0.0008%). This sequence change replaces alanine, which is neutral and non-polar, with valine, which is neutral and non-polar, at codon 141 of the MARS2 protein (p.Ala141Val). This variant has not been reported in the literature in individuals affected with MARS2-related conditions. ClinVar contains an entry for this variant (Variation ID: 2278615). Advanced modeling of protein sequence and biophysical properties (such as structural, functional, and spatial information, amino acid conservation, physicochemical variation, residue mobility, and thermodynamic stability) performed at Invitae indicates that this missense variant is not expected to disrupt MARS2 protein function. In summary, the available evidence is currently insufficient to determine the role of this variant in disease. Therefore, it has been classified as a Variant of Uncertain Significance.

Ambry Genetics
Classification: Uncertain significance. Last evaluated: 2022-03-16. Review status: criteria provided, single submitter. Criteria: Ambry Variant Classification Scheme 2023. Collection method: clinical testing. Allele origin: germline.